The following is an entry in ClinVar:

NM_024537.4(CARS2):c.931G>A (p.Ala311Thr)

Gene: CARS2 (cysteinyl-tRNA synthetase 2, mitochondrial; minus strand). Cytogenetic location: 13q34.
Variant type: single nucleotide variant.
Coding change: c.931G>A on transcript NM_024537.4 (MANE Select); coding-DNA position 931, G replaced by A.
Protein change: p.Ala311Thr; replaces alanine 311 with threonine.
Molecular consequence: missense variant. On other transcripts: 3 prime UTR variant (1), non-coding transcript variant (2).
Genome position (GRCh38, 1-based): chr13:110,663,507, C>T on the plus strand (G>A on the coding strand, the complement: CARS2 is on the minus strand). VCF-style: chr13-110663507-C-T. GRCh37 (hg19) VCF-style: chr13-111315854-C-T.
Other names: c.145G>A, p.Ala49Thr (NM_001352252.2); c.*403G>A (NM_001352253.3); short protein forms A311T, A49T.
Identifiers: ClinVar variation 864778 (VCV000864778.6), dbSNP rs763808514, ClinGen allele CA7052023.
Genomic context (GRCh38, chr13:110,663,507, plus strand): 5'-TTACCTTAATAGTAATGTAGTTCTTTAATGATTTGGACATTTTTTCTTCTTTGCCTTTGG[C>T]GTGCAAATGCCCTGAAACAAAAACAAAAGCATTCAGTCTGAGCTGGGTGAGGAGACTCTC-3'
Protein context (NP_078813.1, residues 301-321): NYFLHSGHLH[Ala311Thr]KGKEEKMSKS

ClinVar aggregate classification (germline): Uncertain significance (1 of 4 stars; one submission).

Conditions:
Combined oxidative phosphorylation defect type 27. Also called: Combined oxidative phosphorylation deficiency 27. Identifiers: Orphanet 477774, MedGen C5567608, MONDO:0014728, OMIM 616672.

Allele frequency attached by ClinVar (database versions not stated): gnomAD below 0.00001 and 0.00005; TOPMed 0.00001; gnomAD exomes 0.00010 and 0.00019; ExAC 0.00024.
gnomAD v4.1: 151 of 1,613,906 alleles (0.0094%); highest among the groups gnomAD compares: South Asian, 0.15%; 4 homozygotes.

Submission:

Labcorp Genetics (formerly Invitae), Labcorp
Classification: Uncertain significance for Combined oxidative phosphorylation defect type 27. Last evaluated: 2025-08-11. Review status: criteria provided, single submitter. Criteria: Invitae Variant Classification Sherloc (09022015). Collection method: clinical testing. Allele origin: germline.
Comment: This sequence change replaces alanine, which is neutral and non-polar, with threonine, which is neutral and polar, at codon 311 of the CARS2 protein (p.Ala311Thr). This variant is present in population databases (rs763808514, gnomAD 0.1%). This variant has not been reported in the literature in individuals affected with CARS2-related conditions. ClinVar contains an entry for this variant (Variation ID: 864778). Invitae Evidence Modeling of protein sequence and biophysical properties (such as structural, functional, and spatial information, amino acid conservation, physicochemical variation, residue mobility, and thermodynamic stability) indicates that this missense variant is not expected to disrupt CARS2 protein function with a negative predictive value of 80%. In summary, the available evidence is currently insufficient to determine the role of this variant in disease. Therefore, it has been classified as a Variant of Uncertain Significance.